The following is an entry in ClinVar:

NM_152703.5(SAMD9L):c.3724C>G (p.Pro1242Ala)

Gene: SAMD9L (sterile alpha motif domain containing 9 like; minus strand). Cytogenetic location: 7q21.2.
Variant type: single nucleotide variant.
Coding change: c.3724C>G on transcript NM_152703.5 (MANE Select); coding-DNA position 3724, C replaced by G.
Protein change: p.Pro1242Ala; replaces proline 1242 with alanine.
Molecular consequence: missense variant.
Genome position (GRCh38, 1-based): chr7:93,132,248, G>C on the plus strand (C>G on the coding strand, the complement: SAMD9L is on the minus strand). VCF-style: chr7-93132248-G-C. GRCh37 (hg19) VCF-style: chr7-92761561-G-C.
Other names: c.3724C>G, p.Pro1242Ala (NM_001303496.3, NM_001303497.3, NM_001303498.3 and 5 more transcripts); short protein forms P1242A.
Identifiers: ClinVar variation 4159319 (VCV004159319.1).
Genomic context (GRCh38, chr7:93,132,248, plus strand): 5'-ATTGTAAATTTTTTAGGTGGGATGTGAACTTGCTAAGAGCCAAATAACATTCATTTCTGG[G>C]ATCAGGAGGAATGGTCCACTTTCCTGATAAAAATTGCACCATATGTTTTTTGGATAATTC-3'
Protein context (NP_689916.2, residues 1232-1252): LSGKWTIPPD[Pro1242Ala]RNECYLALSK

ClinVar aggregate classification (germline): Uncertain significance (1 of 4 stars; one submission).

Conditions:
Inborn genetic diseases. Identifiers: MedGen C0950123, MeSH D030342.

Submission:

Ambry Genetics
Classification: Uncertain significance for Inborn genetic diseases. Last evaluated: 2025-07-10. Review status: criteria provided, single submitter. Criteria: Ambry Variant Classification Scheme 2023. Collection method: clinical testing. Allele origin: germline.
Comment: The p.P1242A variant (also known as c.3724C>G), located in coding exon 1 of the SAMD9L gene, results from a C to G substitution at nucleotide position 3724. The proline at codon 1242 is replaced by alanine, an amino acid with highly similar properties. This amino acid position is conserved. In addition, this alteration is predicted to be tolerated by in silico analysis. Based on the available evidence, the clinical significance of this variant remains unclear.